The following is an entry in ClinVar:

NM_203446.3(SYNJ1):c.1711A>G (p.Ile571Val)

Gene: SYNJ1 (synaptojanin 1; minus strand). Cytogenetic location: 21q22.11.
Variant type: single nucleotide variant.
Coding change: c.1711A>G on transcript NM_203446.3 (MANE Select); coding-DNA position 1711, A replaced by G.
Protein change: p.Ile571Val; replaces isoleucine 571 with valine.
Molecular consequence: missense variant.
Genome position (GRCh38, 1-based): chr21:32,673,355, T>C on the plus strand (A>G on the coding strand, the complement: SYNJ1 is on the minus strand). VCF-style: chr21-32673355-T-C. GRCh37 (hg19) VCF-style: chr21-34045665-T-C.
Other names: c.1711A>G, p.Ile571Val (NM_001160302.2); c.1696A>G, p.Ile566Val (NM_001160306.2); c.1828A>G, p.Ile610Val (NM_003895.4); short protein forms I610V, I566V, I571V.
Identifiers: ClinVar variation 1484924 (VCV001484924.8), dbSNP rs2145981059, ClinGen allele CA410084425.

ClinVar aggregate classification (germline): Uncertain significance (1 of 4 stars; one submission).

Conditions:
Developmental and epileptic encephalopathy, 53. Also called: Epileptic encephalopathy, early infantile, 53. Identifiers: MedGen C4479313, MONDO:0033362, OMIM 617389.
Early-onset Parkinson disease 20. Also called: PARKINSON DISEASE 20, AUTOSOMAL RECESSIVE EARLY-ONSET. Identifiers: Orphanet 391411, MedGen C3809824, MONDO:0014233, OMIM 615530.

Submission:

Labcorp Genetics (formerly Invitae), Labcorp
Classification: Uncertain significance for Developmental and epileptic encephalopathy, 53; Early-onset Parkinson disease 20. Last evaluated: 2021-04-29. Review status: criteria provided, single submitter. Criteria: Invitae Variant Classification Sherloc (09022015). Collection method: clinical testing. Allele origin: germline.
Comment: This sequence change replaces isoleucine with valine at codon 610 of the SYNJ1 protein (p.Ile610Val). The isoleucine residue is moderately conserved and there is a small physicochemical difference between isoleucine and valine. This variant is not present in population databases (ExAC no frequency). This variant has not been reported in the literature in individuals with SYNJ1-related conditions. Algorithms developed to predict the effect of missense changes on protein structure and function output the following: SIFT: "Tolerated"; PolyPhen-2: "Benign"; Align-GVGD: "Class C0". The valine amino acid residue is found in multiple mammalian species, suggesting that this missense change does not adversely affect protein function. These predictions have not been confirmed by published functional studies and their clinical significance is uncertain. In summary, the available evidence is currently insufficient to determine the role of this variant in disease. Therefore, it has been classified as a Variant of Uncertain Significance.